The following is an entry in ClinVar:

ClinVar aggregate classification (germline): Uncertain significance (1 of 4 stars; one submission).

Conditions:
RASopathy. Also called: Noonan spectrum disorder; rasopathies. Identifiers: Orphanet 536391, MedGen C5555857, MONDO:0021060.

Submission:

Labcorp Genetics (formerly Invitae), Labcorp
Classification: Uncertain significance for RASopathy. Last evaluated: 2025-02-05. Review status: criteria provided, single submitter. Criteria: Invitae Variant Classification Sherloc (09022015). Collection method: clinical testing. Allele origin: germline.
Comment: This sequence change replaces methionine, which is neutral and non-polar, with leucine, which is neutral and non-polar, at codon 214 of the RAF1 protein (p.Met214Leu). This variant is not present in population databases (gnomAD no frequency). This variant has not been reported in the literature in individuals affected with RAF1-related conditions. Invitae Evidence Modeling of protein sequence and biophysical properties (such as structural, functional, and spatial information, amino acid conservation, physicochemical variation, residue mobility, and thermodynamic stability) indicates that this missense variant is not expected to disrupt RAF1 protein function with a negative predictive value of 95%. In summary, the available evidence is currently insufficient to determine the role of this variant in disease. Therefore, it has been classified as a Variant of Uncertain Significance.

NM_002880.4(RAF1):c.640A>C (p.Met214Leu)

Gene: RAF1 (Raf-1 proto-oncogene, serine/threonine kinase; minus strand). Cytogenetic location: 3p25.2.
Variant type: single nucleotide variant.
Coding change: c.640A>C on transcript NM_002880.4 (MANE Select); coding-DNA position 640, A replaced by C.
Protein change: p.Met214Leu; replaces methionine 214 with leucine.
Molecular consequence: missense variant. On other transcripts: non-coding transcript variant (3), intron variant (2).
Genome position (GRCh38, 1-based): chr3:12,606,241, T>G on the plus strand (A>C on the coding strand, the complement: RAF1 is on the minus strand). VCF-style: chr3-12606241-T-G. GRCh37 (hg19) VCF-style: chr3-12647740-T-G.
Other names: c.640A>C, p.Met214Leu (NM_001354689.3, NM_001354690.3); c.397A>C, p.Met133Leu (NM_001354691.3, NM_001354692.3, NM_001354694.3); c.339-1952A>C (NM_001354695.3); c.582-1952A>C (NM_001354693.3); short protein forms M133L, M214L.
Identifiers: ClinVar variation 3635605 (VCV003635605.2).